The following is an entry in ClinVar:

NM_152703.5(SAMD9L):c.3451C>T (p.His1151Tyr)

Gene: SAMD9L (sterile alpha motif domain containing 9 like; minus strand). Cytogenetic location: 7q21.2.
Variant type: single nucleotide variant.
Coding change: c.3451C>T on transcript NM_152703.5 (MANE Select); coding-DNA position 3451, C replaced by T.
Protein change: p.His1151Tyr; replaces histidine 1151 with tyrosine.
Molecular consequence: missense variant.
Genome position (GRCh38, 1-based): chr7:93,132,521, G>A on the plus strand (C>T on the coding strand, the complement: SAMD9L is on the minus strand). VCF-style: chr7-93132521-G-A. GRCh37 (hg19) VCF-style: chr7-92761834-G-A.
Other names: c.3451C>T, p.His1151Tyr (NM_001303496.3, NM_001303497.3, NM_001303498.3 and 5 more transcripts); short protein forms H1151Y.
Identifiers: ClinVar variation 4159272 (VCV004159272.1).

ClinVar aggregate classification (germline): Uncertain significance (1 of 4 stars; one submission).

Conditions:
Inborn genetic diseases. Identifiers: MedGen C0950123, MeSH D030342.

Submission:

Ambry Genetics
Classification: Uncertain significance for Inborn genetic diseases. Last evaluated: 2025-06-25. Review status: criteria provided, single submitter. Criteria: Ambry Variant Classification Scheme 2023. Collection method: clinical testing. Allele origin: germline.
Comment: The p.H1151Y variant (also known as c.3451C>T), located in coding exon 1 of the SAMD9L gene, results from a C to T substitution at nucleotide position 3451. The histidine at codon 1151 is replaced by tyrosine, an amino acid with similar properties. This amino acid position is conserved. In addition, this alteration is predicted to be tolerated by in silico analysis. Based on the available evidence, the clinical significance of this variant remains unclear.